The following is an entry in ClinVar:

ClinVar aggregate classification (germline): Pathogenic. Review status: criteria provided, multiple submitters, no conflicts (2 of 4 stars). 5 submissions from 5 submitters: Pathogenic (4). 1 of the submissions does not count toward it. Last evaluated 2025-06-10.

Conditions:
Cardiovascular phenotype. Identifiers: MedGen CN230736.
Cardiomyopathy (CMYO). Also called: Cardiomyopathies. Identifiers: Orphanet 167848, MedGen C0878544, MONDO:0004994, HP:0001638. Inheritance: Various modes of inheritance.
Hypertrophic cardiomyopathy. Also called: HYPERTROPHIC MYOCARDIOPATHY. Identifiers: Orphanet 217569, MedGen C0007194, MeSH D002312, MONDO:0005045, HP:0001639.

Submissions (5):

Labcorp Genetics (formerly Invitae), Labcorp
Classification: Pathogenic for Hypertrophic cardiomyopathy. Last evaluated: 2025-06-10. Review status: criteria provided, single submitter. Criteria: Invitae Variant Classification Sherloc (09022015). Collection method: clinical testing. Allele origin: germline.
Comment: This sequence change creates a premature translational stop signal (p.Thr959Glyfs*91) in the MYBPC3 gene. It is expected to result in an absent or disrupted protein product. Loss-of-function variants in MYBPC3 are known to be pathogenic (PMID: 19574547). This variant is not present in population databases (gnomAD no frequency). This premature translational stop signal has been observed in individual(s) with hypertrophic cardiomyopathy (PMID: 25611685). ClinVar contains an entry for this variant (Variation ID: 164059). For these reasons, this variant has been classified as Pathogenic.

Color Diagnostics, LLC DBA Color Health
Classification: Pathogenic for Cardiomyopathy. Last evaluated: 2021-12-07. Review status: criteria provided, single submitter. Criteria: ACMG Guidelines, 2015. Collection method: clinical testing. Allele origin: germline.
Comment: This variant deletes 2 nucleotides in exon 27 of the MYBPC3 gene, creating a frameshift and premature translation stop signal. This variant is expected to result in an absent or non-functional protein product. This variant has been reported in individual(s) affected with hypertrophic cardiomyopathy (PMID: 25611685, 27532257). This variant has not been identified in the general population by the Genome Aggregation Database (gnomAD). Loss of MYBPC3 function is a known mechanism of disease. Based on the available evidence, this variant is classified as Pathogenic.

GeneDx
Classification: Pathogenic. Last evaluated: 2020-10-08. Review status: criteria provided, single submitter. Criteria: GeneDx Variant Classification Process June 2021. Collection method: clinical testing. Allele origin: germline. Affected: yes.
Comment: Reported in association with HCM (Alfares et al., 2015; Walsh et al., 2017) and has been identified independently of additional cardiogenetic variants in other individuals referred for HCM genetic testing at GeneDx; Not observed in large population cohorts (Lek et al., 2016); Frameshift variant predicted to result in protein truncation or nonsense mediated decay in a gene for which loss-of-function is a known mechanism of disease; Reported in ClinVar as a pathogenic variant (ClinVar Variant ID#164059; Landrum et al., 2016); This variant is associated with the following publications: (PMID: 27532257, 25611685)

Ambry Genetics
Classification: Pathogenic for Cardiovascular phenotype. Last evaluated: 2019-08-29. Review status: criteria provided, single submitter. Criteria: Ambry Variant Classification Scheme 2023. Collection method: clinical testing. Allele origin: germline.
Comment: The c.2875_2876delAC pathogenic mutation, located in coding exon 27 of the MYBPC3 gene, results from a deletion of two nucleotides at nucleotide positions 2875 to 2876, causing a translational frameshift with a predicted alternate stop codon (p.T959Gfs*91). This alteration is expected to result in loss of function by premature protein truncation or nonsense-mediated mRNA decay. As such, this alteration is interpreted as a disease-causing mutation.

Laboratory for Molecular Medicine, Mass General Brigham Personalized Medicine
Classification: Pathogenic for Hypertrophic cardiomyopathy. Last evaluated: 2013-03-05. Review status: no assertion criteria provided. Collection method: clinical testing. Allele origin: germline. Inheritance: Autosomal dominant inheritance. Observed: 1 variant allele. Not counted in ClinVar's aggregate classification.
Comment: proposed classification - variant undergoing re-assessment, contact laboratory

Literature cited by the submitters: PubMed 19574547 (cited by Labcorp Genetics (formerly Invitae), Labcorp); PubMed 25611685 (cited by Labcorp Genetics (formerly Invitae), Labcorp and Color Diagnostics, LLC DBA Color Health); PubMed 27532257 (cited by Color Diagnostics, LLC DBA Color Health).

NM_000256.3(MYBPC3):c.2875_2876del (p.Thr959fs)

Gene: MYBPC3 (myosin binding protein C3; minus strand). Cytogenetic location: 11p11.2.
Variant type: Deletion.
Coding change: c.2875_2876del on transcript NM_000256.3 (MANE Select); coding-DNA positions 2875 to 2876, 2 bases deleted (AC; older notation c.2875_2876delAC).
Protein change: p.Thr959fs; shifts the reading frame from threonine 959.
Molecular consequence: frameshift variant.
Genome position (GRCh38, 1-based): chr11:47,335,071-47,335,072, GT deleted on the plus strand (AC on the coding strand, the reverse complement: MYBPC3 is on the minus strand); deleting any 2 consecutive bases within chr11:47,335,071-47,335,073 gives the same sequence; the c. name uses the placement nearest the transcript's 3' end. VCF-style (leftmost placement, unchanged base first): chr11-47335070-CGT-C. GRCh37 (hg19) VCF-style: chr11-47356621-CGT-C.
Other names: c.2875_2876delAC (NM_000256.3); c.2875_2876del, p.Thr959fs (LRG_386t1); short protein forms T959fs.
Identifiers: ClinVar variation 164059 (VCV000164059.13), dbSNP rs727503182, ClinGen allele CA013096.